The following is an entry in ClinVar:

ClinVar aggregate classification (germline): Uncertain significance (1 of 4 stars; one submission).

Allele frequency attached by ClinVar (database versions not stated): TOPMed 0.00001; gnomAD 0.00003; 1000 Genomes Project 30x 0.00016; 1000 Genomes Project 0.00020.

Submission:

Labcorp Genetics (formerly Invitae), Labcorp
Classification: Uncertain significance. Last evaluated: 2023-09-20. Review status: criteria provided, single submitter. Criteria: Invitae Variant Classification Sherloc (09022015). Collection method: clinical testing. Allele origin: germline.
Comment: In summary, the available evidence is currently insufficient to determine the role of this variant in disease. Therefore, it has been classified as a Variant of Uncertain Significance. Algorithms developed to predict the effect of missense changes on protein structure and function output the following: SIFT: "Not Available"; PolyPhen-2: "Benign"; Align-GVGD: "Not Available". The methionine amino acid residue is found in multiple mammalian species, which suggests that this missense change does not adversely affect protein function. ClinVar contains an entry for this variant (Variation ID: 1902021). This variant has not been reported in the literature in individuals affected with VCAN-related conditions. This variant is present in population databases (rs200907179, gnomAD 0.01%). This sequence change replaces valine, which is neutral and non-polar, with methionine, which is neutral and non-polar, at codon 834 of the VCAN protein (p.Val834Met).

NM_004385.5(VCAN):c.2500G>A (p.Val834Met)

Gene: VCAN (versican; plus strand). Cytogenetic location: 5q14.3.
Variant type: single nucleotide variant.
Coding change: c.2500G>A on transcript NM_004385.5 (MANE Select); coding-DNA position 2500, G replaced by A.
Protein change: p.Val834Met; replaces valine 834 with methionine.
Molecular consequence: missense variant. On other transcripts: intron variant (2).
Genome position (GRCh38, 1-based): chr5:83,520,806, G>A. VCF-style: chr5-83520806-G-A. GRCh37 (hg19) VCF-style: chr5-82816625-G-A.
Other names: c.2500G>A, p.Val834Met (NM_001164098.2); c.1042+8410G>A (NM_001164097.2, NM_001126336.3); short protein forms V834M.
Identifiers: ClinVar variation 1902021 (VCV001902021.5), dbSNP rs200907179, ClinGen allele CA3332854.
Genomic context (GRCh38, chr5:83,520,806, plus strand): 5'-CCTTTAGAGTCTACAGAACCTTCAGCCTCTTCAAAATTGCCCCCTGCCTTACTCACAACT[G>A]TGGGGATGAATGGAAAGGATAAAGACATCCCAAGTTTCACTGAAGATGGAGCAGATGAAT-3'
Protein context (NP_004376.2, residues 824-844): SKLPPALLTT[Val834Met]GMNGKDKDIP